The following is an entry in ClinVar:

ClinVar aggregate classification (germline): Uncertain significance. Review status: criteria provided, multiple submitters, no conflicts (2 of 4 stars). 2 submissions from 2 submitters: Uncertain significance (2). Last evaluated 2025-06-29.

Conditions:
Juvenile polyposis syndrome (JPS). Identifiers: Orphanet 2929, MedGen C0345893, MONDO:0017380, OMIM 174900.
Hereditary cancer-predisposing syndrome. Also called: Tumor predisposition; Hereditary Cancer Syndrome; Neoplastic Syndromes, Hereditary; Hereditary neoplastic syndrome. Identifiers: Orphanet 140162, MedGen C0027672, MeSH D009386, MONDO:0015356.

Submissions (2):

Color Diagnostics, LLC DBA Color Health
Classification: Uncertain significance for Hereditary cancer-predisposing syndrome. Last evaluated: 2025-06-29. Review status: criteria provided, single submitter. Criteria: ACMG Guidelines, 2015. Collection method: clinical testing. Allele origin: germline.
Comment: This missense variant replaces valine with leucine at codon 44 of the SMAD4 protein. Computational prediction is inconclusive regarding the impact of this variant on protein structure and function. To our knowledge, functional studies have not been reported for this variant. This variant has not been reported in individuals affected with SMAD4-related disorders in the literature. This variant has not been identified in the general population by the Genome Aggregation Database (gnomAD). The available evidence is insufficient to determine the role of this variant in disease conclusively. Therefore, this variant is classified as a Variant of Uncertain Significance.

Labcorp Genetics (formerly Invitae), Labcorp
Classification: Uncertain significance for Juvenile polyposis syndrome. Last evaluated: 2023-09-19. Review status: criteria provided, single submitter. Criteria: Invitae Variant Classification Sherloc (09022015). Collection method: clinical testing. Allele origin: germline.
Comment: This sequence change replaces valine, which is neutral and non-polar, with leucine, which is neutral and non-polar, at codon 44 of the SMAD4 protein (p.Val44Leu). This variant is not present in population databases (gnomAD no frequency). This variant has not been reported in the literature in individuals affected with SMAD4-related conditions. ClinVar contains an entry for this variant (Variation ID: 2117881). Advanced modeling of protein sequence and biophysical properties (such as structural, functional, and spatial information, amino acid conservation, physicochemical variation, residue mobility, and thermodynamic stability) has been performed at Invitae for this missense variant, however the output from this modeling did not meet the statistical confidence thresholds required to predict the impact of this variant on SMAD4 protein function. In summary, the available evidence is currently insufficient to determine the role of this variant in disease. Therefore, it has been classified as a Variant of Uncertain Significance.

NM_005359.6(SMAD4):c.130G>T (p.Val44Leu)

Gene: SMAD4 (SMAD family member 4; plus strand). Cytogenetic location: 18q21.2.
Variant type: single nucleotide variant.
Coding change: c.130G>T on transcript NM_005359.6 (MANE Select); coding-DNA position 130, G replaced by T.
Protein change: p.Val44Leu; replaces valine 44 with leucine.
Molecular consequence: missense variant.
Genome position (GRCh38, 1-based): chr18:51,047,176, G>T. VCF-style: chr18-51047176-G-T. GRCh37 (hg19) VCF-style: chr18-48573546-G-T.
Other names: c.130G>T, p.Val44Leu (NM_001407041.1, NM_001407042.1, NM_001407043.1); short protein forms V44L.
Identifiers: ClinVar variation 2117881 (VCV002117881.5), dbSNP rs746732669, ClinGen allele CA402457770.